The following is an entry in ClinVar:

ClinVar aggregate classification (germline): Pathogenic (1 of 4 stars; one submission).

Conditions:
Marinesco-Sjögren syndrome (MSS). Also called: Marinesco-Sjogren Syndrome; Marinesco-SjÃ¶gren syndrome. Identifiers: Orphanet 559, MedGen C0024814, MONDO:0009567, OMIM 248800.

Submission:

Labcorp Genetics (formerly Invitae), Labcorp
Classification: Pathogenic for Marinesco-Sjögren syndrome. Last evaluated: 2023-12-23. Review status: criteria provided, single submitter. Criteria: Invitae Variant Classification Sherloc (09022015). Collection method: clinical testing. Allele origin: unknown.
Comment: This variant is a gross deletion of the genomic region encompassing exon(s) 4-7 of the SIL1 gene. This deletion is out-of-frame, and is expected to create a premature termination codon and result in an absent or disrupted protein product. Loss-of-function variants in SIL1 are known to be pathogenic (PMID: 16282977, 24176978). This variant has not been reported in the literature in individuals affected with SIL1-related conditions. For these reasons, this variant has been classified as Pathogenic.

Literature cited by the submitters: PubMed 16282977; PubMed 24176978.

NC_000005.9:g.(?_138356840)_(138386755_?)del

Gene: SIL1 (SIL1 nucleotide exchange factor; minus strand). Cytogenetic location: 5q31.2.
Variant type: Deletion.
Identifiers: ClinVar variation 3246272 (VCV003246272.1).